The following is an entry in ClinVar:

ClinVar aggregate classification (germline): Likely benign (1 of 4 stars; one submission).

Allele frequency attached by ClinVar (database versions not stated): TOPMed 0.00001.

Submission:

CeGaT Center for Human Genetics Tuebingen
Classification: Likely benign. Last evaluated: 2022-04-01. Review status: criteria provided, single submitter. Criteria: CeGaT Center For Human Genetics Tuebingen Variant Classification Criteria Version 2. Collection method: clinical testing. Allele origin: germline. Affected: yes. Observed: 1 variant allele.
Comment: UROC1: BP4, BP7

NM_144639.3(UROC1):c.996G>A (p.Thr332=)

Gene: UROC1 (urocanate hydratase 1; minus strand). Cytogenetic location: 3q21.3.
Variant type: single nucleotide variant.
Coding change: c.996G>A on transcript NM_144639.3 (MANE Select); coding-DNA position 996, G replaced by A.
Protein change: p.Thr332=; no amino-acid change (threonine 332 retained).
Molecular consequence: synonymous variant.
Genome position (GRCh38, 1-based): chr3:126,500,844, C>T on the plus strand (G>A on the coding strand, the complement: UROC1 is on the minus strand). VCF-style: chr3-126500844-C-T. GRCh37 (hg19) VCF-style: chr3-126219687-C-T.
Other names: c.1176G>A, p.Thr392= (NM_001165974.2).
Identifiers: ClinVar variation 2654095 (VCV002654095.24), dbSNP rs765847764, ClinGen allele CA2591214.